The following is an entry in ClinVar:

ClinVar aggregate classification (germline): Uncertain significance (1 of 4 stars; one submission).

Conditions:
Cardiomyopathy (CMYO). Also called: Cardiomyopathies. Identifiers: Orphanet 167848, MedGen C0878544, MONDO:0004994, HP:0001638. Inheritance: Various modes of inheritance.

Submission:

Color Diagnostics, LLC DBA Color Health
Classification: Uncertain significance for Cardiomyopathy. Last evaluated: 2022-12-13. Review status: criteria provided, single submitter. Criteria: ACMG Guidelines, 2015. Collection method: clinical testing. Allele origin: germline.
Comment: This variant is located in the DSC2 protein. To our knowledge, functional studies have not been reported for this variant. This variant has not been reported in individuals affected with DSC2-related disorders in the literature. This variant has not been identified in the general population by the Genome Aggregation Database (gnomAD). The available evidence is insufficient to determine the role of this variant in disease conclusively. Therefore, this variant is classified as a Variant of Uncertain Significance.

NM_024422.6(DSC2):c.696A>G (p.Lys232=)

Gene: DSC2 (desmocollin 2; minus strand). Cytogenetic location: 18q12.1.
Variant type: single nucleotide variant.
Coding change: c.696A>G on transcript NM_024422.6 (MANE Select); coding-DNA position 696, A replaced by G.
Protein change: p.Lys232=; no amino-acid change (lysine 232 retained).
Molecular consequence: synonymous variant.
Genome position (GRCh38, 1-based): chr18:31,087,748, T>C on the plus strand (A>G on the coding strand, the complement: DSC2 is on the minus strand). VCF-style: chr18-31087748-T-C. GRCh37 (hg19) VCF-style: chr18-28667711-T-C.
Other names: c.267A>G, p.Lys89= (NM_001406506.1, NM_001406507.1); c.696A>G, p.Lys232= (NM_004949.5).
Identifiers: ClinVar variation 2775188 (VCV002775188.2), dbSNP rs2510952483, ClinGen allele CA503389413.
Genomic context (GRCh38, chr18:31,087,748, plus strand): 5'-AATTGTAAAAGTATAAGTTTCTTCTGTAAAAATTGGGTAGTTATCATTTTCATCCTCTAT[T>C]TTGATTATTAGGGGCAGTGGAAGTTCTGGAGTATACCCATCTGGAGTTGTTGCAAAGGCA-3'
Protein context (NP_077740.1, residues 222-242): TPELPLPLII[Lys232=]IEDENDNYPI